The following is an entry in ClinVar:

NM_183075.3(CYP2U1):c.367_375del (p.Gly123_Tyr125del)

Genes: CYP2U1 (cytochrome P450 family 2 subfamily U member 1; plus strand), CYP2U1-AS1 (CYP2U1 and SGMS2 antisense RNA 1; minus strand). Cytogenetic location: 4q25.
Variant type: Deletion.
Coding change: c.367_375del on transcript NM_183075.3 (MANE Select); coding-DNA positions 367 to 375, 9 bases deleted (GGCCACTAC; older notation c.367_375delGGCCACTAC).
Protein change: p.Gly123_Tyr125del.
Molecular consequence: inframe deletion. On other transcripts: non-coding transcript variant (1).
Genome position (GRCh38, 1-based): chr4:107,932,010-107,932,018, GGCCACTAC deleted; deleting any 9 consecutive bases within chr4:107,932,009-107,932,018 gives the same sequence; the c. name uses the placement nearest the transcript's 3' end. VCF-style (leftmost placement, unchanged base first): chr4-107932008-TCGGCCACTA-T. GRCh37 (hg19) VCF-style: chr4-108853164-TCGGCCACTA-T.
Identifiers: ClinVar variation 1513885 (VCV001513885.10), dbSNP rs2126188525, ClinGen allele CA2573137937.

ClinVar aggregate classification (germline): Uncertain significance. Review status: criteria provided, multiple submitters, no conflicts (2 of 4 stars). 4 submissions from 4 submitters: Uncertain significance (4). Last evaluated 2024-08-28.

Conditions:
Hereditary spastic paraplegia 56. Also called: Spastic Paraplegia 56; Spastic paraplegia 56, autosomal recessive; SPASTIC PARAPLEGIA 56, AUTOSOMAL RECESSIVE, WITH OR WITHOUT PSEUDOXANTHOMA ELASTICUM. Identifiers: Orphanet 320411, MedGen C3539507, MONDO:0014015, OMIM 615030.
Spastic paraplegia. Identifiers: MedGen C0037772, HP:0001258.

Submissions (4):

Cincinnati Children's Hospital Medical Center Genetics and Genomics Diagnostic Laboratory, Cincinnati Children's Hospital Medical Center
Classification: Uncertain significance for Hereditary spastic paraplegia 56. Last evaluated: 2024-08-28. Review status: criteria provided, single submitter. Criteria: ACMG Guidelines, 2015. Collection method: clinical testing. Allele origin: biparental. Inheritance: Autosomal recessive inheritance. Affected: yes. Observed: 1 variant allele, 1 homozygote.
Comment: p.Gly123_Tyr125del in CYP2U1 results in deletion of 3 amino acids and is predicted to be deleterious by computational prediction tools (PP3). This variant is absent from large population databases, including gnomAD (PM2). This variant has not been reported in the literature. This variant has been classified as variant of uncertain significance.

Genomic Medicine Center of Excellence, King Faisal Specialist Hospital and Research Centre
Classification: Uncertain significance for Hereditary spastic paraplegia 56. Last evaluated: 2024-03-26. Review status: criteria provided, single submitter. Criteria: ACMG Guidelines, 2015. Collection method: clinical testing. Allele origin: germline.

Revvity Omics, Revvity
Classification: Uncertain significance for Hereditary spastic paraplegia 56. Last evaluated: 2024-02-02. Review status: criteria provided, single submitter. Criteria: ACMG Guidelines, 2015. Collection method: clinical testing. Allele origin: germline.

Labcorp Genetics (formerly Invitae), Labcorp
Classification: Uncertain significance for Spastic paraplegia. Last evaluated: 2021-02-28. Review status: criteria provided, single submitter. Criteria: Invitae Variant Classification Sherloc (09022015). Collection method: clinical testing. Allele origin: germline.
Comment: This variant, c.367_375del, results in the deletion of 3 amino acid(s) of the CYP2U1 protein (p.Gly123_Tyr125del), but otherwise preserves the integrity of the reading frame. This variant is not present in population databases (ExAC no frequency). This variant has not been reported in the literature in individuals with CYP2U1-related conditions. Experimental studies and prediction algorithms are not available or were not evaluated, and the functional significance of this variant is currently unknown. In summary, the available evidence is currently insufficient to determine the role of this variant in disease. Therefore, it has been classified as a Variant of Uncertain Significance.